The following is an entry in ClinVar:

NM_031443.4(CCM2):c.485G>A (p.Gly162Glu)

Gene: CCM2 (CCM2 scaffold protein; plus strand). Cytogenetic location: 7p13.
Variant type: single nucleotide variant.
Coding change: c.485G>A on transcript NM_031443.4 (MANE Select); coding-DNA position 485, G replaced by A.
Protein change: p.Gly162Glu; replaces glycine 162 with glutamic acid.
Molecular consequence: missense variant. On other transcripts: non-coding transcript variant (1), intron variant (1).
Genome position (GRCh38, 1-based): chr7:45,068,455, G>A. VCF-style: chr7-45068455-G-A. GRCh37 (hg19) VCF-style: chr7-45108054-G-A.
Other names: c.548G>A, p.Gly183Glu (NM_001029835.2); c.311G>A, p.Gly104Glu (NM_001167934.2, NM_001363459.2); c.485G>A, p.Gly162Glu (NM_001363458.2); c.472+3809G>A (NM_001167935.2); short protein forms G104E, G162E, G183E.
Identifiers: ClinVar variation 4868312 (VCV004868312.1).

ClinVar aggregate classification (germline): Uncertain significance (1 of 4 stars; one submission).

Conditions:
Inborn genetic diseases. Identifiers: MedGen C0950123, MeSH D030342.

Submission:

Ambry Genetics
Classification: Uncertain significance for Inborn genetic diseases. Last evaluated: 2026-06-03. Review status: criteria provided, single submitter. Criteria: Ambry Variant Classification Scheme 2023. Collection method: clinical testing. Allele origin: germline.
Comment: The c.485G>A (p.G162E) alteration is located in exon 5 (coding exon 5) of the CCM2 gene. This alteration results from a G to A substitution at nucleotide position 485, causing the glycine (G) at amino acid position 162 to be replaced by a glutamic acid (E). Based on data from gnomAD, the A allele has an overall frequency of <0.001% (1/251470) total alleles studied. The highest observed frequency was 0.001% (1/113760) of European (non-Finnish) alleles. Based on insufficient or conflicting evidence, the clinical significance of this alteration remains unclear.